The following is an entry in ClinVar:

ClinVar aggregate classification (germline): Pathogenic (1 of 4 stars; one submission).

Conditions:
Gorlin syndrome. Also called: Nevoid Basal Cell Carcinoma Syndrome; Basal cell nevus syndrome. Identifiers: Orphanet 377, MedGen C0004779, MONDO:0007187.

Submission:

Labcorp Genetics (formerly Invitae), Labcorp
Classification: Pathogenic for Gorlin syndrome. Last evaluated: 2024-10-06. Review status: criteria provided, single submitter. Criteria: Invitae Variant Classification Sherloc (09022015). Collection method: clinical testing. Allele origin: germline.
Comment: This sequence change creates a premature translational stop signal (p.Ala1044Argfs*101) in the PTCH1 gene. It is expected to result in an absent or disrupted protein product. Loss-of-function variants in PTCH1 are known to be pathogenic (PMID: 16301862, 16419085). This variant is not present in population databases (gnomAD no frequency). This variant has not been reported in the literature in individuals affected with PTCH1-related conditions. For these reasons, this variant has been classified as Pathogenic.

Literature cited by the submitters: PubMed 16301862; PubMed 16419085.

NM_000264.5(PTCH1):c.3129dup (p.Ala1044fs)

Gene: PTCH1 (patched 1; minus strand). Cytogenetic location: 9q22.32.
Variant type: Duplication.
Coding change: c.3129dup on transcript NM_000264.5 (MANE Select); coding-DNA position 3129, one base duplicated (C; older notation c.3129dupC).
Protein change: p.Ala1044fs; shifts the reading frame from alanine 1044.
Molecular consequence: frameshift variant. On other transcripts: non-coding transcript variant (1).
Genome position (GRCh38, 1-based): chr9:95,458,052, G duplicated on the plus strand (C on the coding strand, the reverse complement: PTCH1 is on the minus strand). VCF-style (leftmost placement, unchanged base first): chr9-95458051-C-CG. GRCh37 (hg19) VCF-style: chr9-98220333-C-CG.
Other names: c.2931dup, p.Ala978fs (NM_001083602.3); c.3126dup, p.Ala1043fs (NM_001083603.3); c.2676dup, p.Ala893fs (NM_001083604.3, NM_001083605.3, NM_001083606.3 and 1 more transcripts); c.2973dup, p.Ala992fs (NM_001354918.2); short protein forms A1043fs, A992fs, A893fs, A1044fs, A978fs.
Identifiers: ClinVar variation 2820102 (VCV002820102.3), dbSNP rs2538067109, ClinGen allele CA2739269412.